The following is an entry in ClinVar:

ClinVar aggregate classification (germline): Conflicting classifications of pathogenicity. Review status: criteria provided, conflicting classifications (1 of 4 stars). 27 submissions from 27 submitters: Pathogenic (15); Likely pathogenic (6); Uncertain significance (2). 4 of the submissions do not count toward it. Last evaluated 2026-06-11.

Conditions:
CNGB1-related retinopathy. Identifiers: MedGen CN322609, MONDO:0800403.
CNGB1-related disorder. Also called: CNGB1-related condition.
Retinal dystrophy. Also called: Inherited retinal dystrophy. Identifiers: Orphanet 71862, MedGen C0854723, MeSH D058499, MONDO:0019118, HP:0000556.
Retinitis pigmentosa (RP). Identifiers: Orphanet 791, MedGen C0035334, MeSH D012174, MONDO:0019200, OMIM 268000. Inheritance: Autosomal dominant, autosomal recessive and X linked inheritance.
Autosomal recessive retinitis pigmentosa. Identifiers: MedGen C0339526.
Retinitis pigmentosa 45 (RP45). Identifiers: Orphanet 791, MedGen C3151066, MONDO:0013413, OMIM 613767.

Allele frequency attached by ClinVar (database versions not stated): ExAC 0.00110; TOPMed 0.00059; ESP Exome Variant Server 0.00065; gnomAD 0.00107 and 0.00116; gnomAD exomes 0.00114 and 0.00119; 1000 Genomes Project 0.00020; 1000 Genomes Project 30x 0.00031.
gnomAD v4.1: 1,902 of 1,614,166 alleles (0.12%); highest among the groups gnomAD compares: Middle Eastern, 0.3%; 4 homozygotes.

Submissions 1 to 11 of 27:

Victorian Clinical Genetics Services, Murdoch Childrens Research Institute
Classification: Pathogenic for Retinitis pigmentosa 45. Last evaluated: 2026-06-11. Review status: criteria provided, single submitter. Criteria: ACMG Guidelines, 2015. Collection method: clinical testing. Allele origin: germline. Affected: yes.
Comment: This variant is classified as Pathogenic. Evidence in support of pathogenic classification: Variant is present in gnomAD <0.01 for a recessive condition (v4: 1894 heterozygote(s), 4 homozygote(s)); This variant has strong previous evidence of pathogenicity in unrelated individuals. This variant has been classified as likely pathogenic/pathogenic by many clinical laboratories in ClinVar and reported in the literature in homozygous and compound heterozygous individuals with retinitis pigmentosa (PMID: 33847019). Additional information: Variant is predicted to result in a missense amino acid change from Asn to Ile; This variant is heterozygous; This gene is associated with autosomal recessive disease; Alternative amino acid change(s) at the same position are present in gnomAD (highest allele count: v4: 7 heterozygote(s), 0 homozygote(s)); Variant is located in the annotated cyclic nucleotide-binding domain (DECIPHER). - Missense variant with inconclusive in silico prediction and/or uninformative conservation; Loss of function is a known mechanism of disease in this gene and is associated with retinitis pigmentosa 45 (MIM#613767).

PreventionGenetics, part of Exact Sciences
Classification: Pathogenic for CNGB1-related condition. Last evaluated: 2026-05-19. Review status: criteria provided, single submitter. Criteria: ACMG Guidelines, 2015. Collection method: clinical testing. Allele origin: germline.
Comment: The CNGB1 c.2957A>T variant is predicted to result in the amino acid substitution p.Asn986Ile. This variant has been reported in the homozygous and compound heterozygous states in multiple individuals with retinitis pigmentosa (see for examples: Simpson et al. 2011. PubMed ID: 21147909; Table S1, Stone et al. 2017. PubMed ID: 28559085; Table S1, Lin et al. 2024. PubMed ID: 38219857). This variant is reported in 0.64% of alleles in individuals of European (Finnish) descent in gnomAD, indicating it is relatively common. This variant is interpreted as pathogenic.

Dasa
Classification: Pathogenic. Last evaluated: 2026-02-18. Review status: criteria provided, single submitter. Criteria: DASA Assertion Criteria. Collection method: clinical testing. Allele origin: germline.
Comment: NM_001297.5(CNGB1):c.2957A>T (p.Asn986Ile) is a missense variant that results in the substitution of asparagine with isoleucine. Segregation evidence has been reported in affected families. This variant has been observed in affected individuals with related phenotype in a genotype context consistent with recessive disease (PMID: 21147909; PMID: 28056120; PMID: 28041643; PMID: 29912909). This variant has been recurrently observed in individuals with related phenotype (PMID: 21147909; PMID: 28056120; PMID: 28041643; PMID: 29912909). Multiple computational predictions support a deleterious effect on the gene or gene product. The variant is present at low frequency in population datasets. Based on the available data, this variant is classified as pathogenic.

Labcorp Genetics (formerly Invitae), Labcorp
Classification: Pathogenic. Last evaluated: 2026-01-18. Review status: criteria provided, single submitter. Criteria: Invitae Variant Classification Sherloc (09022015). Collection method: clinical testing. Allele origin: germline.
Comment: This sequence change replaces asparagine, which is neutral and polar, with isoleucine, which is neutral and non-polar, at codon 986 of the CNGB1 protein (p.Asn986Ile). This variant is present in population databases (rs201162411, gnomAD 0.7%), and has an allele count higher than expected for a pathogenic variant. This missense change has been observed in individual(s) with retinitis pigmentosa (PMID: 21147909, 28041643, 28056120, 28559085, 29912909). In at least one individual the data is consistent with being in trans (on the opposite chromosome) from a pathogenic variant. It has also been observed to segregate with disease in related individuals. ClinVar contains an entry for this variant (Variation ID: 166891). Invitae Evidence Modeling of protein sequence and biophysical properties (such as structural, functional, and spatial information, amino acid conservation, physicochemical variation, residue mobility, and thermodynamic stability) indicates that this missense variant is expected to disrupt CNGB1 protein function with a positive predictive value of 80%. For these reasons, this variant has been classified as Pathogenic.

Centre of Medical Genetics, University Hospital Muenster
Classification: Likely pathogenic. Last evaluated: 2025-08-06. Review status: criteria provided, single submitter. Criteria: ACMG Guidelines, 2015. Collection method: clinical testing. Allele origin: unknown. Affected: yes. Observed: 1 variant allele, 1 heterozygote.
Comment: ACMG categories: PM3_strong,PP3,PP4

3billion
Classification: Likely pathogenic for Retinitis pigmentosa 45. Last evaluated: 2025-08-04. Review status: criteria provided, single submitter. Criteria: ACMG Guidelines, 2015. Collection method: clinical testing. Allele origin: germline. Affected: yes.
Comment: The variant is observed at an extremely low frequency in the gnomAD v4.1.0 dataset (total allele frequency: 0.118%). Predicted Consequence/Location: Missense variant. The majority of the known disease-causing variants of this gene are variants expected to result in premature termination of the protein. In silico tool predictions suggest damaging effect of the variant on gene or gene product [REVEL: 0.69 (>=0.6, sensitivity 0.68 and specificity 0.92); 3Cnet: 0.86 (> 0.75, sensitivity 0.96 and precision 0.92)]. The same nucleotide change resulting in the same amino acid change has been previously reported as pathogenic/likely pathogenic with strong evidence (ClinVar ID: VCV000166891 /PMID: 21147909 /3billion dataset). Therefore, this variant is classified as Likely pathogenic according to the recommendation of ACMG/AMP guideline.

GeneDx
Classification: Pathogenic. Last evaluated: 2025-06-20. Review status: criteria provided, single submitter. Criteria: GeneDx Variant Classification Process June 2021. Collection method: clinical testing. Allele origin: germline. Affected: yes.
Comment: In silico analysis supports that this missense variant has a deleterious effect on protein structure/function; This variant is associated with the following publications: (PMID: 37510321, 36460718, 36819107, 33749171, 34906470, 23105016, 32483926, 32531858, 37644014, 37734845, 28056120, 26355662, 21147909, 29912909, 23977260, 24015210, 29068140, 28559085, 28041643, 30718709, 31725169, 31456290, 33465333, 34426522, 31570810, 33576794, 33847019, 32037395, 35836572, 38347443, 39062705, 38219857)

Women's Health and Genetics/Laboratory Corporation of America, LabCorp
Classification: Pathogenic for Retinitis pigmentosa. Last evaluated: 2025-04-09. Review status: criteria provided, single submitter. Criteria: LabCorp Variant Classification Summary - May 2015. Collection method: clinical testing. Allele origin: germline.
Comment: Variant summary: CNGB1 c.2957A>T (p.Asn986Ile) results in a non-conservative amino acid change located in the Cyclic nucleotide-monophosphate binding domain (IPR000595) of the encoded protein sequence. Five of five in-silico tools predict a damaging effect of the variant on protein function. The variant allele was found at a frequency of 0.0011 in 249524 control chromosomes. The observed variant frequency is approximately 2-fold of the estimated maximal expected allele frequency for a pathogenic variant in CNGB1 causing Retinitis Pigmentosa phenotype (0.00063). c.2957A>T has been reported in the literature in multiple individuals affected with Retinitis Pigmentosa (example, Jackson_2022). These data indicate that the variant is very likely to be associated with disease. To our knowledge, no experimental evidence demonstrating an impact on protein function has been reported. The following publication has been ascertained in the context of this evaluation (PMID: 35743231). ClinVar contains an entry for this variant (Variation ID: 166891). Based on the evidence outlined above, the variant was classified as pathogenic.

Revvity Omics, Revvity
Classification: Pathogenic for Retinitis pigmentosa 45. Last evaluated: 2024-12-06. Review status: criteria provided, single submitter. Criteria: ACMG Guidelines, 2015. Collection method: clinical testing. Allele origin: germline.

Blueprint Genetics
Classification: Pathogenic for CNGB1-related disorders. Last evaluated: 2024-11-07. Review status: criteria provided, single submitter. Criteria: ACMG Guidelines, 2015. Collection method: clinical testing. Allele origin: germline. Affected: yes. Observed: 5 variant alleles.

Lab De Baere, Eye and Developmental Genetics Lab, Ghent University
Classification: Likely pathogenic for Retinitis pigmentosa. Last evaluated: 2024-10-01. Review status: criteria provided, single submitter. Criteria: ACMG Guidelines, 2015. Collection method: research. Allele origin: inherited. Affected: yes. Observed: 1 variant allele.
Comment: ACMG/AMP guidelines: PS4, PP5, PP3, PP1, PM3_2

NM_001297.5(CNGB1):c.2957A>T (p.Asn986Ile)

Gene: CNGB1 (cyclic nucleotide gated channel subunit beta 1; minus strand). Cytogenetic location: 16q21.
Variant type: single nucleotide variant.
Coding change: c.2957A>T on transcript NM_001297.5 (MANE Select); coding-DNA position 2957, A replaced by T.
Protein change: p.Asn986Ile; replaces asparagine 986 with isoleucine.
Molecular consequence: missense variant.
Genome position (GRCh38, 1-based): chr16:57,901,371, T>A on the plus strand (A>T on the coding strand, the complement: CNGB1 is on the minus strand). VCF-style: chr16-57901371-T-A. GRCh37 (hg19) VCF-style: chr16-57935275-T-A.
Other names: c.2939A>T, p.Asn980Ile (NM_001286130.2); short protein forms N986I, N980I.
Identifiers: ClinVar variation 166891 (VCV000166891.82), dbSNP rs201162411, ClinGen allele CA233760.